The following is an entry in ClinVar:

ClinVar aggregate classification (germline): Likely pathogenic (1 of 4 stars; one submission).

Conditions:
PMM2-congenital disorder of glycosylation. Also called: CDG Ia; Congenital disorder of glycosylation, type Ia; JAEKEN SYNDROME; PHOSPHOMANNOMUTASE 2 DEFICIENCY; CARBOHYDRATE-DEFICIENT GLYCOPROTEIN SYNDROME, TYPE Ia; PMM2-CDG. Identifiers: Orphanet 79318, MedGen C0349653, MONDO:0008907, OMIM 212065.

Submission:

Myriad Genetics, Inc.
Classification: Likely pathogenic for PMM2-congenital disorder of glycosylation. Last evaluated: 2022-05-22. Review status: criteria provided, single submitter. Criteria: Myriad Women's Health Autosomal Recessive and X-Linked Classification Criteria (2021). Collection method: clinical testing. Allele origin: unknown.
Comment: NM_000303.2(PMM2):c.295_296delTT(L99Nfs*12) is expected to be pathogenic in the context of congenital disorder of glycosylation type Ia. This variant is predicted to lead to an abnormal or absent protein product due to the creation of a premature termination codon in PMM2, a gene where loss-of-function variants are known to be pathogenic. Please note: this variant was assessed in the context of healthy population screening.

NM_000303.3(PMM2):c.295_296del (p.Leu99fs)

Gene: PMM2 (phosphomannomutase 2; plus strand). Cytogenetic location: 16p13.2.
Variant type: Deletion.
Coding change: c.295_296del on transcript NM_000303.3 (MANE Select); coding-DNA positions 295 to 296, 2 bases deleted (TT; older notation c.295_296delTT).
Protein change: p.Leu99fs; shifts the reading frame from leucine 99.
Molecular consequence: frameshift variant.
Genome position (GRCh38, 1-based): chr16:8,806,355-8,806,356, TT deleted; deleting any 2 consecutive bases within chr16:8,806,354-8,806,356 gives the same sequence; the c. name uses the placement nearest the transcript's 3' end. VCF-style (leftmost placement, unchanged base first): chr16-8806353-ATT-A. GRCh37 (hg19) VCF-style: chr16-8900210-ATT-A.
Other names: short protein forms L99fs.
Identifiers: ClinVar variation 1726202 (VCV001726202.2), dbSNP rs2549145197, ClinGen allele CA2580092099.
Genomic context (GRCh38, chr16:8,806,353, plus strand): 5'-ACTCAAGTATTTTCTTCATCTAGAATATTCAAAGTCATCTGGGTGAGGCCCTAATCCAAG[ATT>A]TAATCAACTACTGTCTGAGCTACATTGCGAAAATTAAACTCCCGAAGAAGAGGTGGGTTT-3'